The following is an entry in ClinVar:

NM_000038.6(APC):c.3795A>G (p.Glu1265=)

Gene: APC (APC regulator of Wnt signaling pathway; plus strand). Cytogenetic location: 5q22.2.
Variant type: single nucleotide variant.
Coding change: c.3795A>G on transcript NM_000038.6 (MANE Select); coding-DNA position 3795, A replaced by G.
Protein change: p.Glu1265=; no amino-acid change (glutamic acid 1265 retained).
Molecular consequence: synonymous variant.
Genome position (GRCh38, 1-based): chr5:112,839,389, A>G. VCF-style: chr5-112839389-A-G. GRCh37 (hg19) VCF-style: chr5-112175086-A-G.
Other names: c.3795A>G, p.Glu1265= (NM_001127510.3, NM_001354895.2); c.3741A>G, p.Glu1247= (NM_001127511.3); c.3849A>G, p.Glu1283= (NM_001354896.2); c.3825A>G, p.Glu1275= (NM_001354897.2); c.3720A>G, p.Glu1240= (NM_001354898.2); c.3711A>G, p.Glu1237= (NM_001354899.2); c.3672A>G, p.Glu1224= (NM_001354900.2); c.3618A>G, p.Glu1206= (NM_001354901.2); and 5 more.
Identifiers: ClinVar variation 469940 (VCV000469940.32), dbSNP rs1554085311, ClinGen allele CA445963701.
Genomic context (GRCh38, chr5:112,839,389, plus strand): 5'-GGCTGCCACTTGCAAAGTTTCTTCTATTAACCAAGAAACAATACAGACTTATTGTGTAGA[A>G]GATACTCCAATATGTTTTTCAAGATGTAGTTCATTATCATCTTTGTCATCAGCTGAAGAT-3'
Protein context (NP_000029.2, residues 1255-1275): NQETIQTYCV[Glu1265=]DTPICFSRCS

ClinVar aggregate classification (germline): Benign/Likely benign. Review status: criteria provided, multiple submitters, no conflicts (2 of 4 stars). 6 submissions from 6 submitters: Benign (1); Likely benign (5). Last evaluated 2024-08-11.

Conditions:
Hereditary cancer-predisposing syndrome. Also called: Hereditary neoplastic syndrome; Tumor predisposition; Neoplastic Syndromes, Hereditary; Hereditary Cancer Syndrome. Identifiers: Orphanet 140162, MedGen C0027672, MeSH D009386, MONDO:0015356.
Familial adenomatous polyposis 1 (FAP1). Also called: FAMILIAL ADENOMATOUS POLYPOSIS 1, ATTENUATED; POLYPOSIS, ADENOMATOUS INTESTINAL. Identifiers: MedGen C2713442, MONDO:0021056, OMIM 175100. Disease mechanism: loss of function.

Allele frequency attached by ClinVar (database versions not stated): gnomAD exomes 0.00001.
gnomAD v4.1: 8 of 1,614,160 alleles (0.0005%); highest among the groups gnomAD compares: Middle Eastern, 0.13%; 1 homozygote.

Submissions (6):

Labcorp Genetics (formerly Invitae), Labcorp
Classification: Likely benign for Familial adenomatous polyposis 1. Last evaluated: 2024-08-11. Review status: criteria provided, single submitter. Criteria: Invitae Variant Classification Sherloc (09022015). Collection method: clinical testing. Allele origin: germline.

CeGaT Center for Human Genetics Tuebingen
Classification: Likely benign. Last evaluated: 2024-08-01. Review status: criteria provided, single submitter. Criteria: CeGaT Center For Human Genetics Tuebingen Variant Classification Criteria Version 2. Collection method: clinical testing. Allele origin: germline. Affected: yes. Observed: 1 variant allele.
Comment: APC: BP4

Myriad Genetics, Inc.
Classification: Benign for Familial adenomatous polyposis 1. Last evaluated: 2024-03-22. Review status: criteria provided, single submitter. Criteria: Myriad Autosomal Dominant, Autosomal Recessive and X-Linked Classification Criteria (2023). Collection method: clinical testing. Allele origin: unknown.
Comment: This variant is considered benign. This variant is a silent/synonymous amino acid change and it is not expected to impact splicing.

Ambry Genetics
Classification: Likely benign for Hereditary cancer-predisposing syndrome. Last evaluated: 2023-09-23. Review status: criteria provided, single submitter. Criteria: Ambry Variant Classification Scheme 2023. Collection method: clinical testing. Allele origin: germline.

KCCC/NGS Laboratory, Kuwait Cancer Control Center
Classification: Likely benign for Familial adenomatous polyposis 1. Last evaluated: 2023-07-07. Review status: criteria provided, single submitter. Criteria: ACMG Guidelines, 2015. Collection method: clinical testing. Allele origin: germline. Affected: yes.

GeneDx
Classification: Likely benign. Last evaluated: 2021-02-23. Review status: criteria provided, single submitter. Criteria: GeneDx Variant Classification Process June 2021. Collection method: clinical testing. Allele origin: germline. Affected: yes.